The following is an entry in ClinVar:

NM_032727.4(INA):c.255C>T (p.Asn85=)

Gene: INA (internexin neuronal intermediate filament protein alpha; plus strand). Cytogenetic location: 10q24.33.
Variant type: single nucleotide variant.
Coding change: c.255C>T on transcript NM_032727.4 (MANE Select); coding-DNA position 255, C replaced by T.
Protein change: p.Asn85=; no amino-acid change (asparagine 85 retained).
Molecular consequence: synonymous variant.
Genome position (GRCh38, 1-based): chr10:103,277,466, C>T. VCF-style: chr10-103277466-C-T. GRCh37 (hg19) VCF-style: chr10-105037223-C-T.
Identifiers: ClinVar variation 4533615 (VCV004533615.6).

ClinVar aggregate classification (germline): Likely benign (1 of 4 stars; one submission).

gnomAD v4.1: 4,795 of 1,579,580 alleles (0.3%); highest among the groups gnomAD compares: Non-Finnish European, 0.37%; 10 homozygotes.

Submission:

CeGaT Center for Human Genetics Tuebingen
Classification: Likely benign. Last evaluated: 2026-03-01. Review status: criteria provided, single submitter. Criteria: CeGaT Center For Human Genetics Tuebingen Variant Classification Criteria Version 2. Collection method: clinical testing. Allele origin: germline. Affected: yes. Observed: 3 variant alleles.
Comment: INA: BP4, BP7